The following is an entry in ClinVar:

ClinVar aggregate classification (germline): other (0 of 4 stars; one submission).

Conditions:
Familial colorectal cancer. Identifiers: MedGen CN280943, MONDO:0023113. Disease mechanism: loss of function.

Submission:

Systems Biology Platform Zhejiang California International NanoSystems Institute
Classification: other for Familial colorectal cancer. Review status: no assertion criteria provided. Collection method: not provided. Allele origin: unknown.
ClinVar note: Converted during submission from cancer to other.

NM_000038.6(APC):c.645+3021C>T

Gene: APC (APC regulator of WNT signaling pathway; plus strand). Cytogenetic location: 5q22.2.
Variant type: single nucleotide variant.
Coding change: c.645+3021C>T on transcript NM_000038.6 (MANE Select); 3021 bases into the intron after coding-DNA position 645, C replaced by T.
Molecular consequence: intron variant.
Genome position (GRCh38, 1-based): chr5:112,783,924, C>T. VCF-style: chr5-112783924-C-T. GRCh37 (hg19) VCF-style: chr5-112119621-C-T.
Other names: c.645+3021C>T (NM_001354895.2, NM_001127510.3, NM_001354896.2 and 2 more transcripts); c.675+3021C>T (NM_001354897.2, NM_001354902.2, NM_001127511.3); c.570+3021C>T (NM_001354898.2, NM_001354904.2); c.-391+3021C>T (NM_001354906.2); c.468+3021C>T (NM_001354900.2, NM_001354901.2, NM_001354905.2).
Identifiers: ClinVar variation 82440 (VCV000082440.2), dbSNP rs75273968, ClinGen allele CA011377.
Genomic context (GRCh38, chr5:112,783,924, plus strand): 5'-TCAGAAAATTAAGTTCAAGTGTCTAATAAACAATTGTGAAAAGATGCTTAAACATCACTA[C>T]ACATCAGGGAAATGTAATATAAAGTAAGGTACTATTTTTTTTTTGCCTATCAGCTGCCCG-3'